The following is an entry in ClinVar:

NM_001048174.2(MUTYH):c.9G>T (p.Lys3Asn)

Gene: MUTYH (mutY DNA glycosylase; minus strand). Cytogenetic location: 1p34.1.
Variant type: single nucleotide variant.
Coding change: c.9G>T on transcript NM_001048174.2 (MANE Select); coding-DNA position 9, G replaced by T.
Protein change: p.Lys3Asn; replaces lysine 3 with asparagine.
Molecular consequence: missense variant. On other transcripts: 5 prime UTR variant (7), non-coding transcript variant (7).
Genome position (GRCh38, 1-based): chr1:45,334,497, C>A on the plus strand (G>T on the coding strand, the complement: MUTYH is on the minus strand). VCF-style: chr1-45334497-C-A. GRCh37 (hg19) VCF-style: chr1-45800169-C-A.
Other names: c.9G>T, p.Lys3Asn (NM_001048171.2, NM_001048172.2, NM_001048173.2 and 15 more transcripts); c.51G>T, p.Lys17Asn (NM_001128425.2, NM_001293190.2, NM_001407069.1 and 2 more transcripts); c.-204G>T (NM_001293192.2, NM_001293196.2, NM_001407091.1); c.-263G>T (NM_001350650.2); c.-199G>T (NM_001350651.2, NM_001407082.1); c.-148G>T (NM_001407075.1); c.27G>T, p.Lys9Asn (NM_001407087.1); short protein forms K17N, K3N, K9N.
Identifiers: ClinVar variation 4113712 (VCV004113712.1).
Genomic context (GRCh38, chr1:45,334,497, plus strand): 5'-CTGCCTCCCTTCCTGGCTGGCTGCCTGCTTCCTGTGACCACTTCCCACGGCTGCTCGTGG[C>A]TTCCTCATGATGGCCTGAAACAAAAAGACCCAGCCAAAGCAGTCAGTCACAATGAGGCCA-3'
Protein context (NP_001041639.1, residues 1-13): MR[Lys3Asn]PRAAVGSGHR

ClinVar aggregate classification (germline): Uncertain significance (1 of 4 stars; one submission).

Conditions:
Hereditary cancer-predisposing syndrome. Also called: Hereditary neoplastic syndrome; Neoplastic Syndromes, Hereditary; Tumor predisposition; Hereditary Cancer Syndrome. Identifiers: Orphanet 140162, MedGen C0027672, MeSH D009386, MONDO:0015356.

Submission:

Ambry Genetics
Classification: Uncertain significance for Hereditary cancer-predisposing syndrome. Last evaluated: 2025-08-27. Review status: criteria provided, single submitter. Criteria: Ambry Variant Classification Scheme 2023. Collection method: clinical testing. Allele origin: germline.
Comment: The p.K17N variant (also known as c.51G>T), located in coding exon 2 of the MUTYH gene, results from a G to T substitution at nucleotide position 51. The lysine at codon 17 is replaced by asparagine, an amino acid with similar properties. This amino acid position is conserved. In addition, this alteration is predicted to be tolerated by in silico analysis. Based on the available evidence, the clinical significance of this variant remains unclear.